The following is an entry in ClinVar:

NM_000937.5(POLR2A):c.3599C>T (p.Pro1200Leu)

Gene: POLR2A (RNA polymerase II subunit A; plus strand). Cytogenetic location: 17p13.1.
Variant type: single nucleotide variant.
Coding change: c.3599C>T on transcript NM_000937.5 (MANE Select); coding-DNA position 3599, C replaced by T.
Protein change: p.Pro1200Leu; replaces proline 1200 with leucine.
Molecular consequence: missense variant.
Genome position (GRCh38, 1-based): chr17:7,509,077, C>T. VCF-style: chr17-7509077-C-T. GRCh37 (hg19) VCF-style: chr17-7412396-C-T.
Other names: short protein forms P1200L.
Identifiers: ClinVar variation 4846903 (VCV004846903.1).

ClinVar aggregate classification (germline): Uncertain significance (1 of 4 stars; one submission).

Conditions:
Neurodevelopmental disorder with hypotonia and variable intellectual and behavioral abnormalities. Identifiers: MedGen C5231423, MONDO:0032829, OMIM 618603.

Submission:

Laboratorio de Genetica e Diagnostico Molecular, Hospital Israelita Albert Einstein
Classification: Uncertain significance for Neurodevelopmental disorder with hypotonia and variable intellectual and behavioral abnormalities. Last evaluated: 2025-08-08. Review status: criteria provided, single submitter. Criteria: ACMG Guidelines, 2015. Collection method: clinical testing. Allele origin: germline. Affected: yes.
Comment: ACMG classification criteria: PM2 supporting, PP2 supporting